The following is an entry in ClinVar:

NM_003982.4(SLC7A7):c.352A>T (p.Ile118Phe)

Gene: SLC7A7 (solute carrier family 7 member 7; minus strand). Cytogenetic location: 14q11.2.
Variant type: single nucleotide variant.
Coding change: c.352A>T on transcript NM_003982.4 (MANE Select); coding-DNA position 352, A replaced by T.
Protein change: p.Ile118Phe; replaces isoleucine 118 with phenylalanine.
Molecular consequence: missense variant.
Genome position (GRCh38, 1-based): chr14:22,813,047, T>A on the plus strand (A>T on the coding strand, the complement: SLC7A7 is on the minus strand). VCF-style: chr14-22813047-T-A. GRCh37 (hg19) VCF-style: chr14-23282256-T-A.
Other names: c.352A>T, p.Ile118Phe (NM_001126105.3, NM_001126106.4); short protein forms I118F.
Identifiers: ClinVar variation 883283 (VCV000883283.6), dbSNP rs750589845, ClinGen allele CA7104724.

ClinVar aggregate classification (germline): Uncertain significance. Review status: criteria provided, multiple submitters, no conflicts (2 of 4 stars). 3 submissions from 3 submitters: Uncertain significance (3). Last evaluated 2025-11-23.

Conditions:
Lysinuric protein intolerance (LPI). Identifiers: Orphanet 470, MedGen C0268647, MONDO:0009109, OMIM 222700.

Allele frequency attached by ClinVar (database versions not stated): TOPMed 0.00001.
gnomAD v4.1: 7 of 1,613,886 alleles (0.00043%); highest among the groups gnomAD compares: Middle Eastern, 0.016%; no homozygotes.

Submissions (3):

Labcorp Genetics (formerly Invitae), Labcorp
Classification: Uncertain significance for Lysinuric protein intolerance. Last evaluated: 2025-11-23. Review status: criteria provided, single submitter. Criteria: Invitae Variant Classification Sherloc (09022015). Collection method: clinical testing. Allele origin: germline.
Comment: This sequence change replaces isoleucine, which is neutral and non-polar, with phenylalanine, which is neutral and non-polar, at codon 118 of the SLC7A7 protein (p.Ile118Phe). This variant is present in population databases (rs750589845, gnomAD 0.004%). This variant has not been reported in the literature in individuals affected with SLC7A7-related conditions. ClinVar contains an entry for this variant (Variation ID: 883283). An algorithm developed to predict the effect of missense changes on protein structure and function (PolyPhen-2) suggests that this variant is likely to be disruptive. In summary, the available evidence is currently insufficient to determine the role of this variant in disease. Therefore, it has been classified as a Variant of Uncertain Significance.

Fulgent Genetics
Classification: Uncertain significance for Lysinuric protein intolerance. Last evaluated: 2021-12-13. Review status: criteria provided, single submitter. Criteria: ACMG Guidelines, 2015. Collection method: clinical testing. Allele origin: unknown.

Illumina Laboratory Services, Illumina
Classification: Uncertain significance for Lysinuric protein intolerance. Last evaluated: 2018-01-13. Review status: criteria provided, single submitter. Criteria: ICSL Variant Classification Criteria 13 December 2019. Collection method: clinical testing. Allele origin: germline.